The following is an entry in ClinVar:

ClinVar aggregate classification (germline): Uncertain significance (1 of 4 stars; one submission).

Conditions:
Primary ciliary dyskinesia. Also called: Ciliary dyskinesia. Identifiers: Orphanet 244, MedGen C0008780, MONDO:0016575, HP:0012265.

Allele frequency attached by ClinVar (database versions not stated): gnomAD 0.00001; gnomAD exomes 0.00001; TOPMed 0.00001.
gnomAD v4.1: 8 of 1,208,272 alleles (0.00066%); highest among the groups gnomAD compares: East Asian, 0.003%; no homozygotes.

Submission:

Labcorp Genetics (formerly Invitae), Labcorp
Classification: Uncertain significance for Primary ciliary dyskinesia. Last evaluated: 2022-06-04. Review status: criteria provided, single submitter. Criteria: Invitae Variant Classification Sherloc (09022015). Collection method: clinical testing. Allele origin: germline.
Comment: This variant has not been reported in the literature in individuals affected with RPGR-related conditions. This variant is present in population databases (no rsID available, gnomAD 0.001%). This sequence change replaces alanine, which is neutral and non-polar, with threonine, which is neutral and polar, at codon 593 of the RPGR protein (p.Ala593Thr). ClinVar contains an entry for this variant (Variation ID: 1379373). In summary, the available evidence is currently insufficient to determine the role of this variant in disease. Therefore, it has been classified as a Variant of Uncertain Significance. Algorithms developed to predict the effect of missense changes on protein structure and function output the following: SIFT: "Tolerated"; PolyPhen-2: "Possibly Damaging"; Align-GVGD: "Class C0". The threonine amino acid residue is found in multiple mammalian species, which suggests that this missense change does not adversely affect protein function.

NM_001034853.2(RPGR):c.1777G>A (p.Ala593Thr)

Gene: RPGR (retinitis pigmentosa GTPase regulator; minus strand). Cytogenetic location: Xp11.4.
Variant type: single nucleotide variant.
Coding change: c.1777G>A on transcript NM_001034853.2 (MANE Select); coding-DNA position 1777, G replaced by A.
Protein change: p.Ala593Thr; replaces alanine 593 with threonine.
Molecular consequence: missense variant. On other transcripts: non-coding transcript variant (2), intron variant (5).
Genome position (GRCh38, 1-based): chrX:38,287,222, C>T on the plus strand (G>A on the coding strand, the complement: RPGR is on the minus strand). VCF-style: chrX-38287222-C-T. GRCh37 (hg19) VCF-style: chrX-38146475-C-T.
Other names: c.1777G>A, p.Ala593Thr (NM_000328.3); c.1774G>A, p.Ala592Thr (NM_001367245.1); c.1591G>A, p.Ala531Thr (NM_001367246.1); c.1569+3737G>A (NM_001367249.1, NM_001367250.1); c.1386+3737G>A (NM_001367251.1); c.1572+3737G>A (NM_001367247.1); c.1602+3737G>A (NM_001367248.1); short protein forms A593T, A531T, A592T.
Identifiers: ClinVar variation 1379373 (VCV001379373.5), dbSNP rs1490761121, ClinGen allele CA412733014.